The following is an entry in ClinVar:

NM_022458.4(LMBR1):c.1251C>T (p.Gly417=)

Gene: LMBR1 (limb development membrane protein 1; minus strand). Cytogenetic location: 7q36.3.
Variant type: single nucleotide variant.
Coding change: c.1251C>T on transcript NM_022458.4 (MANE Select); coding-DNA position 1251, C replaced by T.
Protein change: p.Gly417=; no amino-acid change (glycine 417 retained).
Molecular consequence: synonymous variant. On other transcripts: non-coding transcript variant (2), intron variant (6).
Genome position (GRCh38, 1-based): chr7:156,688,166, G>A on the plus strand (C>T on the coding strand, the complement: LMBR1 is on the minus strand). VCF-style: chr7-156688166-G-A. GRCh37 (hg19) VCF-style: chr7-156480860-G-A.
Other names: c.1374C>T, p.Gly458= (NM_001350953.2); c.795C>T, p.Gly265= (NM_001350955.2, NM_001350956.2, NM_001363413.2); c.882C>T, p.Gly294= (NM_001363411.2); c.1163-4003C>T (NM_001363412.2); c.947-4003C>T (NM_001350954.2); c.1226-4003C>T (NM_001363410.2); c.1349-4003C>T (NM_001363409.2); c.770-4003C>T (NM_001350958.2); and 1 more.
Identifiers: ClinVar variation 5040977 (VCV005040977.1).

ClinVar aggregate classification (germline): Likely benign (1 of 4 stars; one submission).

gnomAD v4.1: 75 of 1,601,328 alleles (0.0047%); highest among the groups gnomAD compares: South Asian, 0.0045%; no homozygotes.

Submission:

CeGaT Center for Human Genetics Tuebingen
Classification: Likely benign. Last evaluated: 2026-09-01. Review status: criteria provided, single submitter. Criteria: CeGaT Center For Human Genetics Tuebingen Variant Classification Criteria Version 2. Collection method: clinical testing. Allele origin: germline. Affected: yes. Observed: 1 variant allele.
Comment: LMBR1: BP4, BP7